The following is an entry in ClinVar:

ClinVar aggregate classification (germline): Uncertain significance (1 of 4 stars; one submission).

Conditions:
Hereditary cancer-predisposing syndrome. Also called: Neoplastic Syndromes, Hereditary; Hereditary neoplastic syndrome; Tumor predisposition; Hereditary Cancer Syndrome. Identifiers: Orphanet 140162, MedGen C0027672, MeSH D009386, MONDO:0015356.

Submission:

Ambry Genetics
Classification: Uncertain significance for Hereditary cancer-predisposing syndrome. Last evaluated: 2022-12-16. Review status: criteria provided, single submitter. Criteria: Ambry Variant Classification Scheme 2023. Collection method: clinical testing. Allele origin: germline.
Comment: The p.I1581S variant (also known as c.4742T>G), located in coding exon 30 of the ATM gene, results from a T to G substitution at nucleotide position 4742. The isoleucine at codon 1581 is replaced by serine, an amino acid with dissimilar properties. This amino acid position is conserved. In addition, the in silico prediction for this alteration is inconclusive. Since supporting evidence is limited at this time, the clinical significance of this alteration remains unclear.

NM_000051.4(ATM):c.4742T>G (p.Ile1581Ser)

Gene: ATM (ATM serine/threonine kinase; plus strand). Cytogenetic location: 11q22.3.
Variant type: single nucleotide variant.
Coding change: c.4742T>G on transcript NM_000051.4 (MANE Select); coding-DNA position 4742, T replaced by G.
Protein change: p.Ile1581Ser; replaces isoleucine 1581 with serine.
Molecular consequence: missense variant.
Genome position (GRCh38, 1-based): chr11:108,293,443, T>G. VCF-style: chr11-108293443-T-G. GRCh37 (hg19) VCF-style: chr11-108164170-T-G.
Other names: c.4742T>G, p.Ile1581Ser (NM_001351834.2); short protein forms I1581S.
Identifiers: ClinVar variation 2453946 (VCV002453946.2), dbSNP rs2135813239, ClinGen allele CA382535076.